The following is an entry in ClinVar:

ClinVar aggregate classification (germline): Pathogenic (1 of 4 stars; one submission).

Conditions:
Agenesis of the corpus callosum with peripheral neuropathy (ACCPN). Also called: CHARLEVOIX DISEASE; POLYNEUROPATHY, SENSORIMOTOR, WITH OR WITHOUT AGENESIS OF THE CORPUS CALLOSUM; HMSN/ACC; Hereditary Motor and Sensory Neuropathy with Agenesis of the Corpus Callosum. Identifiers: Orphanet 1496, MedGen C0795950, MONDO:0000902, OMIM 218000. Disease mechanism: loss of function.

Submission:

Myriad Genetics, Inc.
Classification: Pathogenic for Agenesis of the corpus callosum with peripheral neuropathy. Last evaluated: 2026-07-28. Review status: criteria provided, single submitter. Criteria: Myriad Autosomal Dominant, Autosomal Recessive and X-Linked Classification Criteria (2023). Collection method: clinical testing. Allele origin: unknown.
Comment: NM_133647.1(SLC12A6):c.3068C>G(S1023*) is expected to be pathogenic in the context of Andermann syndrome. This variant is predicted to lead to an abnormal or absent protein product due to the creation of a premature termination codon in SLC12A6, a gene where loss-of-function variants are known to be pathogenic. Please note: this variant was assessed in the context of healthy population screening.

NM_001365088.1(SLC12A6):c.3068C>G (p.Ser1023Ter)

Gene: SLC12A6 (solute carrier family 12 member 6; minus strand). Cytogenetic location: 15q14.
Variant type: single nucleotide variant.
Coding change: c.3068C>G on transcript NM_001365088.1 (MANE Select); coding-DNA position 3068, C replaced by G.
Protein change: p.Ser1023Ter; replaces serine 1023 with a stop codon.
Molecular consequence: nonsense.
Genome position (GRCh38, 1-based): chr15:34,236,174, G>C on the plus strand (C>G on the coding strand, the complement: SLC12A6 is on the minus strand). VCF-style: chr15-34236174-G-C. GRCh37 (hg19) VCF-style: chr15-34528375-G-C.
Other names: c.2891C>G, p.Ser964Ter (NM_001042494.2, NM_001042495.2); c.3041C>G, p.Ser1014Ter (NM_001042496.2); c.3023C>G, p.Ser1008Ter (NM_001042497.2); c.2915C>G, p.Ser972Ter (NM_005135.2); c.3068C>G, p.Ser1023Ter (NM_133647.2); short protein forms S1008*, S1014*, S1023*, S964*, S972*.
Identifiers: ClinVar variation 5016174 (VCV005016174.1).